The following is an entry in ClinVar:

ClinVar aggregate classification (germline): Uncertain significance (1 of 4 stars; one submission).

Conditions:
Joubert syndrome. Also called: CEREBELLOPARENCHYMAL DISORDER IV; JOUBERT-BOLTSHAUSER SYNDROME; Familial aplasia of the vermis. Identifiers: Orphanet 475, MedGen C5979921, MONDO:0018772.

Allele frequency attached by ClinVar (database versions not stated): TOPMed below 0.00001; gnomAD exomes 0.00001; ExAC 0.00002.
gnomAD v4.1: 9 of 1,598,874 alleles (0.00056%); highest among the groups gnomAD compares: Non-Finnish European, 0.00068%; no homozygotes.

Submission:

Labcorp Genetics (formerly Invitae), Labcorp
Classification: Uncertain significance for Joubert syndrome. Last evaluated: 2024-08-12. Review status: criteria provided, single submitter. Criteria: Invitae Variant Classification Sherloc (09022015). Collection method: clinical testing. Allele origin: germline.
Comment: This sequence change replaces threonine, which is neutral and polar, with alanine, which is neutral and non-polar, at codon 251 of the AHI1 protein (p.Thr251Ala). This variant is present in population databases (rs772731992, gnomAD 0.003%). This variant has not been reported in the literature in individuals affected with AHI1-related conditions. ClinVar contains an entry for this variant (Variation ID: 1977403). An algorithm developed to predict the effect of missense changes on protein structure and function outputs the following: PolyPhen-2: "Benign". The alanine amino acid residue is found in multiple mammalian species, which suggests that this missense change does not adversely affect protein function. In summary, the available evidence is currently insufficient to determine the role of this variant in disease. Therefore, it has been classified as a Variant of Uncertain Significance.

NM_001134831.2(AHI1):c.751A>G (p.Thr251Ala)

Gene: AHI1 (Abelson helper integration site 1; minus strand). Cytogenetic location: 6q23.3.
Variant type: single nucleotide variant.
Coding change: c.751A>G on transcript NM_001134831.2 (MANE Select); coding-DNA position 751, A replaced by G.
Protein change: p.Thr251Ala; replaces threonine 251 with alanine.
Molecular consequence: missense variant.
Genome position (GRCh38, 1-based): chr6:135,463,305, T>C on the plus strand (A>G on the coding strand, the complement: AHI1 is on the minus strand). VCF-style: chr6-135463305-T-C. GRCh37 (hg19) VCF-style: chr6-135784443-T-C.
Other names: c.751A>G, p.Thr251Ala (NM_001134830.2, NM_001134832.2, NM_001350503.2 and 2 more transcripts); short protein forms T251A.
Identifiers: ClinVar variation 1977403 (VCV001977403.4), dbSNP rs772731992, ClinGen allele CA4012760.
Genomic context (GRCh38, chr6:135,463,305, plus strand): 5'-ATCTAACTGAAGATTCTTTCTTTTGTTCACCTTCAACTGTGTCACCAGAGATGGTCAATG[T>C]ACTACAAATATAATCCAAGTATCAGCCATTACAGATATATTATCATTATAATTATTATTC-3'
Protein context (NP_001128303.1, residues 241-261): VPVFSKAETS[Thr251Ala]LTISGDTVEG